The following is an entry in ClinVar:

NM_001127671.2(LIFR):c.2498-7G>A

Gene: LIFR (LIF receptor subunit alpha; minus strand). Cytogenetic location: 5p13.1.
Variant type: single nucleotide variant.
Coding change: c.2498-7G>A on transcript NM_001127671.2 (MANE Select); 7 bases into the intron before coding-DNA position 2498, G replaced by A.
Molecular consequence: intron variant.
Genome position (GRCh38, 1-based): chr5:38,484,875, C>T on the plus strand (G>A on the coding strand, the complement: LIFR is on the minus strand). VCF-style: chr5-38484875-C-T. GRCh37 (hg19) VCF-style: chr5-38484977-C-T.
Other names: c.2498-7G>A (NM_002310.6, NM_001364297.2); c.2498-40G>A (NM_001364298.2).
Identifiers: ClinVar variation 353614 (VCV000353614.32), dbSNP rs113078097, ClinGen allele CA3242636.

ClinVar aggregate classification (germline): Benign/Likely benign. Review status: criteria provided, multiple submitters, no conflicts (2 of 4 stars). 7 submissions from 7 submitters: Benign (3); Likely benign (3). 1 of the submissions does not count toward it. Last evaluated 2026-01-28.

Conditions:
Stüve-Wiedemann syndrome 1. Also called: STUVE-WIEDEMANN/SCHWARTZ-JAMPEL TYPE 2 SYNDROME. Identifiers: Orphanet 3206, MedGen C5676888, MONDO:0800043, OMIM 601559.
Connective tissue disorder. Also called: Connective tissue disease. Identifiers: MedGen C0009782, MONDO:0003900.
Stuve-Wiedemann syndrome (STWS). Also called: Stüve-Wiedemann syndrome. Identifiers: Orphanet 3206, MedGen C0796176, MONDO:0031280.

Allele frequency attached by ClinVar (database versions not stated): ExAC 0.00091; 1000 Genomes Project 0.00280; 1000 Genomes Project 30x 0.00281; gnomAD 0.00290 and 0.00306; TOPMed 0.00319; ESP Exome Variant Server 0.00354.
gnomAD v4.1: 827 of 1,595,822 alleles (0.052%); highest among the groups gnomAD compares: African/African-American, 0.92%; 2 homozygotes.

Submissions (7):

Labcorp Genetics (formerly Invitae), Labcorp
Classification: Benign. Last evaluated: 2026-01-28. Review status: criteria provided, single submitter. Criteria: Invitae Variant Classification Sherloc (09022015). Collection method: clinical testing. Allele origin: germline.

ARUP Laboratories, Molecular Genetics and Genomics, ARUP Laboratories
Classification: Benign for Stüve-Wiedemann syndrome 1. Last evaluated: 2022-04-28. Review status: criteria provided, single submitter. Criteria: ARUP Molecular Germline Variant Investigation Process 2021. Collection method: clinical testing. Allele origin: germline.

GeneDx
Classification: Likely benign. Last evaluated: 2021-01-07. Review status: criteria provided, single submitter. Criteria: GeneDx Variant Classification Process June 2021. Collection method: clinical testing. Allele origin: germline. Affected: yes.

Genome Diagnostics Laboratory, The Hospital for Sick Children
Classification: Likely benign for Connective tissue disorder. Last evaluated: 2020-10-30. Review status: criteria provided, single submitter. Criteria: ACMG Guidelines, 2015. Collection method: clinical testing. Allele origin: germline.

Illumina Laboratory Services, Illumina
Classification: Likely benign for Stüve-Wiedemann syndrome 1. Last evaluated: 2018-01-12. Review status: criteria provided, single submitter. Criteria: ICSL Variant Classification Criteria 13 December 2019. Collection method: clinical testing. Allele origin: germline.
Comment: This variant was observed in the ICSL laboratory as part of a predisposition screen in an ostensibly healthy population. It had not been previously curated by ICSL or reported in the Human Gene Mutation Database (HGMD: prior to June 1st, 2018), and was therefore a candidate for classification through an automated scoring system. Utilizing variant allele frequency, disease prevalence and penetrance estimates, and inheritance mode, an automated score was calculated to assess if this variant is too frequent to cause the disease. Based on the score and internal cut-off values, a variant classified as likely benign is not then subjected to further curation. The score for this variant resulted in a classification of likely benign for this disease.

Eurofins Ntd Llc (ga)
Classification: Benign. Last evaluated: 2017-07-28. Review status: criteria provided, single submitter. Criteria: EGL Classification Definitions 2015. Collection method: clinical testing. Allele origin: germline. Observed: 1 variant allele, 1 heterozygote.

Natera, Inc.
Classification: Benign for Stuve-Wiedemann syndrome. Last evaluated: 2020-09-16. Review status: no assertion criteria provided. Collection method: clinical testing. Allele origin: germline. Not counted in ClinVar's aggregate classification.